The following is an entry in ClinVar:

NM_001099274.3(TINF2):c.1211G>A (p.Gly404Glu)

Gene: TINF2 (TERF1 interacting nuclear factor 2; minus strand). Cytogenetic location: 14q12.
Variant type: single nucleotide variant.
Coding change: c.1211G>A on transcript NM_001099274.3 (MANE Select); coding-DNA position 1211, G replaced by A.
Protein change: p.Gly404Glu; replaces glycine 404 with glutamic acid.
Molecular consequence: missense variant. On other transcripts: 3 prime UTR variant (1).
Genome position (GRCh38, 1-based): chr14:24,240,074, C>T on the plus strand (G>A on the coding strand, the complement: TINF2 is on the minus strand). VCF-style: chr14-24240074-C-T. GRCh37 (hg19) VCF-style: chr14-24709280-C-T.
Other names: c.1106G>A, p.Gly369Glu (NM_001363668.2); c.*341G>A (NM_012461.3); short protein forms G369E, G404E.
Identifiers: ClinVar variation 1467380 (VCV001467380.8), dbSNP rs765918306, ClinGen allele CA7130462.
Genomic context (GRCh38, chr14:24,240,074, plus strand): 5'-GTCTTGTTCTACCCATCCCCTTTCCCAGCTTTCTGCTCCTTCCCACTCACCTTTCCTTCC[C>T]CCTGGCCATTTTCTTCCTCATCAGAGTCTAAAACCAAGTCCCCTATGGTAATGACGGAGC-3'
Protein context (NP_001092744.1, residues 394-414): LDSDEEENGQ[Gly404Glu]EGKESLENYQ

ClinVar aggregate classification (germline): Uncertain significance (1 of 4 stars; one submission).

Conditions:
Dyskeratosis congenita. Identifiers: Orphanet 1775, MedGen C0265965, MONDO:0015780.

Allele frequency attached by ClinVar (database versions not stated): ExAC 0.00001.
gnomAD v4.1: 1 of 1,614,134 alleles (0.000062%); highest among the groups gnomAD compares: Non-Finnish European, 0.000085%; no homozygotes.

Submission:

Labcorp Genetics (formerly Invitae), Labcorp
Classification: Uncertain significance for Dyskeratosis congenita. Last evaluated: 2021-07-14. Review status: criteria provided, single submitter. Criteria: Invitae Variant Classification Sherloc (09022015). Collection method: clinical testing. Allele origin: germline.
Comment: This sequence change replaces glycine with glutamic acid at codon 404 of the TINF2 protein (p.Gly404Glu). The glycine residue is weakly conserved and there is a moderate physicochemical difference between glycine and glutamic acid. This variant is present in population databases (rs765918306, ExAC 0.001%). This variant has not been reported in the literature in individuals with TINF2-related conditions. Algorithms developed to predict the effect of missense changes on protein structure and function are either unavailable or do not agree on the potential impact of this missense change (SIFT: "Tolerated"; PolyPhen-2: "Probably Damaging"; Align-GVGD: "Class C0"). In summary, the available evidence is currently insufficient to determine the role of this variant in disease. Therefore, it has been classified as a Variant of Uncertain Significance.